The following is an entry in ClinVar:

NM_014989.7(RIMS1):c.4188G>A (p.Met1396Ile)

Gene: RIMS1 (regulating synaptic membrane exocytosis 1; plus strand). Cytogenetic location: 6q13.
Variant type: single nucleotide variant.
Coding change: c.4188G>A on transcript NM_014989.7 (MANE Select); coding-DNA position 4188, G replaced by A.
Protein change: p.Met1396Ile; replaces methionine 1396 with isoleucine.
Molecular consequence: missense variant. On other transcripts: intron variant (24).
Genome position (GRCh38, 1-based): chr6:72,333,657, G>A. VCF-style: chr6-72333657-G-A. GRCh37 (hg19) VCF-style: chr6-73043360-G-A.
Other names: c.2148G>A, p.Met716Ile (NM_001168407.2); c.2109G>A, p.Met703Ile (NM_001350414.2); c.2205G>A, p.Met735Ile (NM_001350415.2); c.2154G>A, p.Met718Ile (NM_001350416.2); c.2127G>A, p.Met709Ile (NM_001350418.2); c.2262G>A, p.Met754Ile (NM_001350420.2); c.2007G>A, p.Met669Ile (NM_001350421.2); c.1896G>A, p.Met632Ile (NM_001350423.2); and 53 more; short protein forms M560I, M612I, M693I, M702I, M703I, M731I, M745I, M1396I.
Identifiers: ClinVar variation 1466329 (VCV001466329.8), dbSNP rs2154342198, ClinGen allele CA364692756.
Genomic context (GRCh38, chr6:72,333,657, plus strand): 5'-TAGTTCATTTACCCCCAAAATGCAAGGCAGACGGATGGGGACTTCAGGAAGATCCATCAT[G>A]AAGAGCACCAGTGTCAGTGGAGAGATGTACACACTGGAGCATAATGACGGCAGCCAGTCA-3'
Protein context (NP_055804.2, residues 1386-1406): RRMGTSGRSI[Met1396Ile]KSTSVSGEMY

ClinVar aggregate classification (germline): Uncertain significance (1 of 4 stars; one submission).

Submission:

Labcorp Genetics (formerly Invitae), Labcorp
Classification: Uncertain significance. Last evaluated: 2022-10-04. Review status: criteria provided, single submitter. Criteria: Invitae Variant Classification Sherloc (09022015). Collection method: clinical testing. Allele origin: germline.
Comment: ClinVar contains an entry for this variant (Variation ID: 1466329). In summary, the available evidence is currently insufficient to determine the role of this variant in disease. Therefore, it has been classified as a Variant of Uncertain Significance. Algorithms developed to predict the effect of missense changes on protein structure and function output the following: SIFT: "Tolerated"; PolyPhen-2: "Benign"; Align-GVGD: "Class C0". The isoleucine amino acid residue is found in multiple mammalian species, which suggests that this missense change does not adversely affect protein function. This variant has not been reported in the literature in individuals affected with RIMS1-related conditions. This variant is not present in population databases (gnomAD no frequency). This sequence change replaces methionine, which is neutral and non-polar, with isoleucine, which is neutral and non-polar, at codon 1396 of the RIMS1 protein (p.Met1396Ile).